The following is an entry in ClinVar:

ClinVar aggregate classification (germline): Pathogenic. Review status: criteria provided, single submitter (1 of 4 stars). 2 submissions from 2 submitters: Pathogenic (1). 1 of the submissions does not count toward it. Last evaluated 2019-10-15.

Conditions:
Ornithine carbamoyltransferase deficiency (OTCD). Also called: ORNITHINE TRANSCARBAMYLASE DEFICIENCY, HYPERAMMONEMIA DUE TO; ORNITHINE TRANSCARBAMYLASE DEFICIENCY; OTC DEFICIENCY; Ornithine Carbamoyltransferase Deficiency Disease. Identifiers: Orphanet 664, MedGen C0268542, MONDO:0010703, OMIM 311250.

Submissions (2):

Rady Children's Institute for Genomic Medicine, Rady Children's Hospital San Diego
Classification: Pathogenic for ORNITHINE TRANSCARBAMYLASE DEFICIENCY, HYPERAMMONEMIA DUE TO. Last evaluated: 2019-10-15. Review status: criteria provided, single submitter. Criteria: ACMG Guidelines, 2015. Collection method: clinical testing. Allele origin: germline. Affected: yes.
Comment: This variant has been previously reported as a hemizygous change in patients with Ornithine Transcarbamylase Deficiency (OTC deficiency) (PMID: 9266388, 30285816). It is absent from the ExAC and gnomAD population databases and thus is presumed to be rare. The c.604C>T (p.His202Tyr) variant is predicted by multiple in silico tools to have a deleterious effect on protein function. Additional amino acid changes at the same codon have been reported in affected individuals with OTC deficiency (PMID: 9501271, 25433810). Based on the available evidence, the c.604C>T (p.His202Tyr) variant is classified as Pathogenic.

GenMed Metabolism Lab
Classification: Pathogenic. Review status: no assertion criteria provided. Collection method: not provided. Allele origin: unknown. Not counted in ClinVar's aggregate classification.
Comment: p.His202Tyr, Late
ClinVar note: Converted during submission from pathogenic to Pathogenic.

NM_000531.6(OTC):c.604C>T (p.His202Tyr)

Gene: OTC (ornithine transcarbamylase; plus strand). Cytogenetic location: Xp11.4.
Variant type: single nucleotide variant.
Coding change: c.604C>T on transcript NM_000531.6 (MANE Select); coding-DNA position 604, C replaced by T.
Protein change: p.His202Tyr; replaces histidine 202 with tyrosine.
Molecular consequence: missense variant.
Genome position (GRCh38, 1-based): chrX:38,403,681, C>T. VCF-style: chrX-38403681-C-T. GRCh37 (hg19) VCF-style: chrX-38262934-C-T.
Other names: short protein forms H202Y.
Identifiers: ClinVar variation 97267 (VCV000097267.3), dbSNP rs72558408, ClinGen allele CA224705.